The following is an entry in ClinVar:

ClinVar aggregate classification (germline): Uncertain significance (1 of 4 stars; one submission).

Conditions:
Joubert syndrome. Also called: CEREBELLOPARENCHYMAL DISORDER IV; JOUBERT-BOLTSHAUSER SYNDROME; Familial aplasia of the vermis. Identifiers: Orphanet 475, MedGen C5979921, MONDO:0018772.
Meckel-Gruber syndrome. Also called: DYSENCEPHALIA SPLANCHNOCYSTICA; GRUBER SYNDROME; Dysencephalia splachnocystica. Identifiers: Orphanet 564, MedGen C0265215, MONDO:0018921.

Submission:

Labcorp Genetics (formerly Invitae), Labcorp
Classification: Uncertain significance for Joubert syndrome; Meckel-Gruber syndrome. Last evaluated: 2024-03-11. Review status: criteria provided, single submitter. Criteria: Invitae Variant Classification Sherloc (09022015). Collection method: clinical testing. Allele origin: germline.
Comment: This sequence change replaces leucine, which is neutral and non-polar, with phenylalanine, which is neutral and non-polar, at codon 906 of the TMEM67 protein (p.Leu906Phe). This variant is not present in population databases (gnomAD no frequency). This variant has not been reported in the literature in individuals affected with TMEM67-related conditions. ClinVar contains an entry for this variant (Variation ID: 1373510). Advanced modeling of protein sequence and biophysical properties (such as structural, functional, and spatial information, amino acid conservation, physicochemical variation, residue mobility, and thermodynamic stability) performed at Invitae indicates that this missense variant is expected to disrupt TMEM67 protein function with a positive predictive value of 80%. In summary, the available evidence is currently insufficient to determine the role of this variant in disease. Therefore, it has been classified as a Variant of Uncertain Significance.

NM_153704.6(TMEM67):c.2716C>T (p.Leu906Phe)

Gene: TMEM67 (transmembrane protein 67; plus strand). Cytogenetic location: 8q22.1.
Variant type: single nucleotide variant.
Coding change: c.2716C>T on transcript NM_153704.6 (MANE Select); coding-DNA position 2716, C replaced by T.
Protein change: p.Leu906Phe; replaces leucine 906 with phenylalanine.
Molecular consequence: missense variant. On other transcripts: non-coding transcript variant (1).
Genome position (GRCh38, 1-based): chr8:93,809,839, C>T. VCF-style: chr8-93809839-C-T. GRCh37 (hg19) VCF-style: chr8-94822067-C-T.
Other names: c.2473C>T, p.Leu825Phe (NM_001142301.1); short protein forms L825F, L906F.
Identifiers: ClinVar variation 1373510 (VCV001373510.6), dbSNP rs200477047, ClinGen allele CA371699641.